The following is an entry in ClinVar:

NM_000132.4(F8):c.1712T>G (p.Leu571Arg)

Gene: F8 (coagulation factor VIII; minus strand). Cytogenetic location: Xq28.
Variant type: single nucleotide variant.
Coding change: c.1712T>G on transcript NM_000132.4 (MANE Select); coding-DNA position 1712, T replaced by G.
Protein change: p.Leu571Arg; replaces leucine 571 with arginine.
Molecular consequence: missense variant.
Genome position (GRCh38, 1-based): chrX:154,956,997, A>C on the plus strand (T>G on the coding strand, the complement: F8 is on the minus strand). VCF-style: chrX-154956997-A-C. GRCh37 (hg19) VCF-style: chrX-154185272-A-C.
Other names: short protein forms L571R.
Identifiers: ClinVar variation 2444028 (VCV002444028.1), dbSNP rs2523942174, ClinGen allele CA414911689.

ClinVar aggregate classification (germline): Uncertain significance (1 of 4 stars; one submission).

Conditions:
Hereditary factor VIII deficiency disease (HEMA). Also called: Hemophilia A, congenital; HEM A; Factor 8 deficiency, congenital; HEMOPHILIA, CLASSIC; AUTOSOMAL HEMOPHILIA A; Hemophilia A. Identifiers: Orphanet 98878, MedGen C0019069, MONDO:0010602, OMIM 306700.

Submission:

3billion
Classification: Uncertain significance for Hereditary factor VIII deficiency disease. Last evaluated: 2023-02-23. Review status: criteria provided, single submitter. Criteria: ACMG Guidelines, 2015. Collection method: clinical testing. Allele origin: unknown. Affected: yes.
Comment: The variant is not observed in the gnomAD v2.1.1 dataset. The variant is located in a mutational hot spot and/or well-established functional domain in which established pathogenic variants have been reported. In silico tool predictions suggest damaging effect of the variant on gene or gene product (REVEL: 0.96; 3Cnet: 0.99). Therefore, this variant is classified as VUS according to the recommendation of ACMG/AMP guideline.